The following is an entry in ClinVar:

ClinVar aggregate classification (germline): Conflicting classifications of pathogenicity. Review status: criteria provided, conflicting classifications (1 of 4 stars). 2 submissions from 1 submitter: Uncertain significance (1); Likely benign (1). Last evaluated 2018-01-12.

Conditions:
Alzheimer disease 3 (AD3). Also called: ALZHEIMER DISEASE, FAMILIAL, 3. Identifiers: Orphanet 1020, MedGen C1843013, MONDO:0011913, OMIM 607822.
Dilated cardiomyopathy 1U. Identifiers: Orphanet 154, MedGen C3160720, MONDO:0013371, OMIM 613694.

Allele frequency attached by ClinVar (database versions not stated): gnomAD exomes 0.00008; gnomAD 0.00072 and 0.00080; 1000 Genomes Project 0.00080; TOPMed 0.00093; 1000 Genomes Project 30x 0.00094.
gnomAD v4.1: 160 of 777,328 alleles (0.021%); highest among the groups gnomAD compares: African/African-American, 0.25%; no homozygotes.

Submissions (2):

Illumina Laboratory Services, Illumina
Classification: Likely benign for Alzheimer disease 3. Last evaluated: 2018-01-12. Review status: criteria provided, single submitter. Criteria: ICSL Variant Classification Criteria 13 December 2019. Collection method: clinical testing. Allele origin: germline.
Comment: This variant was observed in the ICSL laboratory as part of a predisposition screen in an ostensibly healthy population. It had not been previously curated by ICSL or reported in the Human Gene Mutation Database (HGMD: prior to June 1st, 2018), and was therefore a candidate for classification through an automated scoring system. Utilizing variant allele frequency, disease prevalence and penetrance estimates, and inheritance mode, an automated score was calculated to assess if this variant is too frequent to cause the disease. Based on the score and internal cut-off values, a variant classified as likely benign is not then subjected to further curation. The score for this variant resulted in a classification of likely benign for this disease.

Illumina Laboratory Services, Illumina
Classification: Uncertain significance for Dilated cardiomyopathy 1U. Last evaluated: 2018-01-12. Review status: criteria provided, single submitter. Criteria: ICSL Variant Classification Criteria 13 December 2019. Collection method: clinical testing. Allele origin: germline.

NM_000021.4(PSEN1):c.*166T>A

Gene: PSEN1 (presenilin 1; plus strand). Cytogenetic location: 14q24.2.
Variant type: single nucleotide variant.
Coding change: c.*166T>A on transcript NM_000021.4 (MANE Select); 166 bases downstream of the stop codon, T replaced by A.
Molecular consequence: 3 prime UTR variant.
Genome position (GRCh38, 1-based): chr14:73,219,455, T>A. VCF-style: chr14-73219455-T-A. GRCh37 (hg19) VCF-style: chr14-73686163-T-A.
Other names: c.*166T>A (NM_007318.3).
Identifiers: ClinVar variation 887626 (VCV000887626.4), dbSNP rs192302611, ClinGen allele CA262621049.